The following is an entry in ClinVar:

ClinVar aggregate classification (germline): Uncertain significance. Review status: criteria provided, multiple submitters, no conflicts (2 of 4 stars). 4 submissions from 4 submitters: Uncertain significance (4). Last evaluated 2026-05-27.

Conditions:
IMPG1-related disorder. Also called: IMPG1-related condition.

Allele frequency attached by ClinVar (database versions not stated): gnomAD exomes 0.00001 and 0.00004; ExAC 0.00007; gnomAD 0.00008 and 0.00009; TOPMed 0.00008; 1000 Genomes Project 30x 0.00016; 1000 Genomes Project 0.00020; ESP Exome Variant Server 0.00023.
gnomAD v4.1: 30 of 1,613,960 alleles (0.0019%); highest among the groups gnomAD compares: African/African-American, 0.027%; no homozygotes.

Submissions (4):

PreventionGenetics, part of Exact Sciences
Classification: Uncertain significance for IMPG1-related condition. Last evaluated: 2026-05-27. Review status: criteria provided, single submitter. Criteria: ACMG Guidelines, 2015. Collection method: clinical testing. Allele origin: germline.
Comment: The IMPG1 c.964C>T variant is predicted to result in the amino acid substitution p.Leu322Phe. To our knowledge, this variant has not been reported in the literature. This variant is present in 0.032% of alleles in individuals of African descent in gnomAD. At this time, the clinical significance of this variant is uncertain due to the absence of conclusive functional and genetic evidence.

Ambry Genetics
Classification: Uncertain significance. Last evaluated: 2025-01-19. Review status: criteria provided, single submitter. Criteria: Ambry Variant Classification Scheme 2023. Collection method: clinical testing. Allele origin: germline.

Labcorp Genetics (formerly Invitae), Labcorp
Classification: Uncertain significance. Last evaluated: 2024-12-24. Review status: criteria provided, single submitter. Criteria: Invitae Variant Classification Sherloc (09022015). Collection method: clinical testing. Allele origin: germline.
Comment: This sequence change replaces leucine, which is neutral and non-polar, with phenylalanine, which is neutral and non-polar, at codon 322 of the IMPG1 protein (p.Leu322Phe). This variant is present in population databases (rs140525637, gnomAD 0.03%). This missense change has been observed in individual(s) with clinical features of retinitis pigmentosa (internal data). ClinVar contains an entry for this variant (Variation ID: 1043250). An algorithm developed to predict the effect of missense changes on protein structure and function outputs the following: PolyPhen-2: "Benign". The phenylalanine amino acid residue is found in multiple mammalian species, which suggests that this missense change does not adversely affect protein function. In summary, the available evidence is currently insufficient to determine the role of this variant in disease. Therefore, it has been classified as a Variant of Uncertain Significance.

Blueprint Genetics
Classification: Uncertain significance. Last evaluated: 2018-12-21. Review status: criteria provided, single submitter. Criteria: ACMG Guidelines, 2015. Collection method: clinical testing. Allele origin: germline.

NM_001563.4(IMPG1):c.964C>T (p.Leu322Phe)

Gene: IMPG1 (interphotoreceptor matrix proteoglycan 1; minus strand). Cytogenetic location: 6q14.1.
Variant type: single nucleotide variant.
Coding change: c.964C>T on transcript NM_001563.4 (MANE Select); coding-DNA position 964, C replaced by T.
Protein change: p.Leu322Phe; replaces leucine 322 with phenylalanine.
Molecular consequence: missense variant.
Genome position (GRCh38, 1-based): chr6:76,005,458, G>A on the plus strand (C>T on the coding strand, the complement: IMPG1 is on the minus strand). VCF-style: chr6-76005458-G-A. GRCh37 (hg19) VCF-style: chr6-76715175-G-A.
Other names: c.730C>T, p.Leu244Phe (NM_001282368.2); c.964C>T (NM_001563.3, NM_001563.2); short protein forms L244F, L322F.
Identifiers: ClinVar variation 1043250 (VCV001043250.10), dbSNP rs140525637, ClinGen allele CA3898257.